The following is an entry in ClinVar:

ClinVar aggregate classification (germline): Conflicting classifications of pathogenicity. Review status: criteria provided, conflicting classifications (1 of 4 stars). 3 submissions from 3 submitters: Uncertain significance (1); Benign (2). Last evaluated 2022-06-01.

Conditions:
Hypothyroidism, congenital, nongoitrous, 2 (CHNG2). Also called: Hypothyroidism, congenital, due to thyroid dysgenesis or hypoplasia. Identifiers: Orphanet 95712, MedGen C1869118, MONDO:0024264, OMIM 218700.

Allele frequency attached by ClinVar (database versions not stated): gnomAD exomes 0.00055 and 0.00097; 1000 Genomes Project 30x 0.00156; 1000 Genomes Project 0.00160; ESP Exome Variant Server 0.00209; ExAC 0.00264; gnomAD 0.00273 and 0.00293; TOPMed 0.00318.
gnomAD v4.1: 1,243 of 1,584,598 alleles (0.078%); highest among the groups gnomAD compares: African/African-American, 0.9%; 7 homozygotes.

Submissions (3):

CeGaT Center for Human Genetics Tuebingen
Classification: Benign. Last evaluated: 2022-06-01. Review status: criteria provided, single submitter. Criteria: CeGaT Center For Human Genetics Tuebingen Variant Classification Criteria Version 2. Collection method: clinical testing. Allele origin: germline. Affected: yes. Observed: 1 variant allele.
Comment: PAX8: BS1, BS2

Labcorp Genetics (formerly Invitae), Labcorp
Classification: Benign. Last evaluated: 2019-12-31. Review status: criteria provided, single submitter. Criteria: Invitae Variant Classification Sherloc (09022015). Collection method: clinical testing. Allele origin: germline.

Illumina Laboratory Services, Illumina
Classification: Uncertain significance for Hypothyroidism, congenital, nongoitrous, 2. Last evaluated: 2018-01-13. Review status: criteria provided, single submitter. Criteria: ICSL Variant Classification Criteria 13 December 2019. Collection method: clinical testing. Allele origin: germline.

NM_003466.4(PAX8):c.885C>T (p.Tyr295=)

Genes: PAX8 (paired box 8; minus strand), PAX8-AS1 (PAX8 antisense RNA 1; plus strand). Cytogenetic location: 2q14.1.
Variant type: single nucleotide variant.
Coding change: c.885C>T on transcript NM_003466.4 (MANE Select); coding-DNA position 885, C replaced by T.
Protein change: p.Tyr295=; no amino-acid change (tyrosine 295 retained).
Molecular consequence: synonymous variant. On other transcripts: non-coding transcript variant (1), intron variant (2).
Genome position (GRCh38, 1-based): chr2:113,236,614, G>A on the plus strand (C>T on the coding strand, the complement: PAX8 is on the minus strand). VCF-style: chr2-113236614-G-A. GRCh37 (hg19) VCF-style: chr2-113994191-G-A.
Other names: c.885C>T, p.Tyr295= (NM_013952.4); c.777+4937C>T (NM_013992.4, NM_013953.4).
Identifiers: ClinVar variation 330890 (VCV000330890.33), dbSNP rs112872760, ClinGen allele CA1840065.